The following is an entry in ClinVar:

NM_015559.3(SETBP1):c.161G>T (p.Arg54Leu)

Gene: SETBP1 (SET binding protein 1; plus strand). Cytogenetic location: 18q12.3.
Variant type: single nucleotide variant.
Coding change: c.161G>T on transcript NM_015559.3 (MANE Select); coding-DNA position 161, G replaced by T.
Protein change: p.Arg54Leu; replaces arginine 54 with leucine.
Molecular consequence: missense variant.
Genome position (GRCh38, 1-based): chr18:44,701,507, G>T. VCF-style: chr18-44701507-G-T. GRCh37 (hg19) VCF-style: chr18-42281472-G-T.
Other names: p.Arg54Leu; c.161G>T, p.Arg54Leu (NM_001130110.2, NM_001379141.1, NM_001379142.1); c.161G>T (NM_015559.2); short protein forms R54L.
Identifiers: ClinVar variation 1388157 (VCV001388157.11), dbSNP rs140717709, ClinGen allele CA8945343.
Genomic context (GRCh38, chr18:44,701,507, plus strand): 5'-CAGGAGAACCTTTGCTCTCCACTCCAGGACCTGGGAAGGGGATCCCGGTGGGCGGAGAGC[G>T]CATGGAGCCAGAGGAGGAGGATGAACTAGGCTCAGGGCGGGATGTGGATTCCAACTCCAA-3'
Protein context (NP_056374.2, residues 44-64): PGKGIPVGGE[Arg54Leu]MEPEEEDELG

ClinVar aggregate classification (germline): Conflicting classifications of pathogenicity. Review status: criteria provided, conflicting classifications (1 of 4 stars). 2 submissions from 2 submitters: Uncertain significance (1); Benign (1). Last evaluated 2026-01-12.

Conditions:
Intellectual developmental disorder, autosomal dominant 29. Also called: Intellectual disability, autosomal dominant 29; SETBP1 Haploinsufficiency Disorder. Identifiers: Orphanet 436151, MedGen C4015141, MONDO:0014482, OMIM 616078.
Schinzel-Giedion syndrome (SGS). Identifiers: Orphanet 798, MedGen C0265227, MONDO:0010010, OMIM 269150.

gnomAD v4.1: 3 of 1,613,790 alleles (0.00019%); highest among the groups gnomAD compares: Non-Finnish European, 0.000085%; no homozygotes.

Submissions (2):

Labcorp Genetics (formerly Invitae), Labcorp
Classification: Benign. Last evaluated: 2026-01-12. Review status: criteria provided, single submitter. Criteria: Invitae Variant Classification Sherloc (09022015). Collection method: clinical testing. Allele origin: germline.

Mayo Clinic Laboratories, Mayo Clinic
Classification: Uncertain significance. Last evaluated: 2022-09-28. Review status: criteria provided, single submitter. Criteria: ACMG Guidelines, 2015. Collection method: clinical testing. Allele origin: germline. Observed: 1 variant allele.
Comment: BP4